The following is an entry in ClinVar:

NM_024570.4(RNASEH2B):c.31G>T (p.Val11Phe)

Genes: RNASEH2B (ribonuclease H2 subunit B; plus strand), RNASEH2B-AS1 (RNASEH2B antisense RNA 1; minus strand), LOC130009810 (ATAC-STARR-seq lymphoblastoid silent region 5362; plus strand). Cytogenetic location: 13q14.3.
Variant type: single nucleotide variant.
Coding change: c.31G>T on transcript NM_024570.4 (MANE Select); coding-DNA position 31, G replaced by T.
Protein change: p.Val11Phe; replaces valine 11 with phenylalanine.
Molecular consequence: missense variant.
Genome position (GRCh38, 1-based): chr13:50,910,107, G>T. VCF-style: chr13-50910107-G-T. GRCh37 (hg19) VCF-style: chr13-51484243-G-T.
Other names: c.31G>T, p.Val11Phe (NM_001411023.1, NM_001142279.2); short protein forms V11F.
Identifiers: ClinVar variation 1931386 (VCV001931386.4), dbSNP rs1289004123, ClinGen allele CA388258413.
Genomic context (GRCh38, chr13:50,910,107, plus strand): 5'-GCCTGCGGCGCCCCGGAAGAGGCGGGCGGCATGGCCGCTGGCGTGGACTGCGGGGACGGG[G>T]TTGGCGCCCGGCAGCACGTGTTCCTGGTTTCAGGTAAACACGCGCGCCCGGGCGGCGGGG-3'
Protein context (NP_078846.2, residues 1-21): MAAGVDCGDG[Val11Phe]GARQHVFLVS

ClinVar aggregate classification (germline): Uncertain significance. Review status: criteria provided, multiple submitters, no conflicts (2 of 4 stars). 2 submissions from 2 submitters: Uncertain significance (2). Last evaluated 2025-09-25.

Conditions:
Aicardi-Goutieres syndrome 2. Identifiers: Orphanet 51, MedGen C3489724, MONDO:0012429, OMIM 610181.
Inborn genetic diseases. Identifiers: MedGen C0950123, MeSH D030342.

Allele frequency attached by ClinVar (database versions not stated): gnomAD exomes below 0.00001.
gnomAD v4.1: 2 of 1,461,474 alleles (0.00014%); highest among the groups gnomAD compares: South Asian, 0.0014%; no homozygotes.

Submissions (2):

Ambry Genetics
Classification: Uncertain significance for Inborn genetic diseases. Last evaluated: 2025-09-25. Review status: criteria provided, single submitter. Criteria: Ambry Variant Classification Scheme 2023. Collection method: clinical testing. Allele origin: germline.

Labcorp Genetics (formerly Invitae), Labcorp
Classification: Uncertain significance for Aicardi-Goutieres syndrome 2. Last evaluated: 2022-05-21. Review status: criteria provided, single submitter. Criteria: Invitae Variant Classification Sherloc (09022015). Collection method: clinical testing. Allele origin: germline.
Comment: This sequence change replaces valine, which is neutral and non-polar, with phenylalanine, which is neutral and non-polar, at codon 11 of the RNASEH2B protein (p.Val11Phe). In summary, the available evidence is currently insufficient to determine the role of this variant in disease. Therefore, it has been classified as a Variant of Uncertain Significance. Algorithms developed to predict the effect of missense changes on protein structure and function are either unavailable or do not agree on the potential impact of this missense change (SIFT: "Tolerated"; PolyPhen-2: "Not Available"; Align-GVGD: "Class C0"). This variant has not been reported in the literature in individuals affected with RNASEH2B-related conditions. The frequency data for this variant in the population databases is considered unreliable, as metrics indicate poor data quality at this position in the gnomAD database.